The following is an entry in ClinVar:

NM_003900.5(SQSTM1):c.35G>T (p.Gly12Val)

Gene: SQSTM1 (sequestosome 1; plus strand). Cytogenetic location: 5q35.3.
Variant type: single nucleotide variant.
Coding change: c.35G>T on transcript NM_003900.5 (MANE Select); coding-DNA position 35, G replaced by T.
Protein change: p.Gly12Val; replaces glycine 12 with valine.
Molecular consequence: missense variant. On other transcripts: intron variant (2).
Genome position (GRCh38, 1-based): chr5:179,820,971, G>T. VCF-style: chr5-179820971-G-T. GRCh37 (hg19) VCF-style: chr5-179247971-G-T.
Other names: c.-47-1987G>T (NM_001142298.2, NM_001142299.2); short protein forms G12V.
Identifiers: ClinVar variation 952577 (VCV000952577.11), dbSNP rs866832054, ClinGen allele CA362442072.

ClinVar aggregate classification (germline): Uncertain significance. Review status: criteria provided, multiple submitters, no conflicts (2 of 4 stars). 3 submissions from 3 submitters: Uncertain significance (3). Last evaluated 2025-07-01.

Conditions:
Paget disease of bone 2, early-onset (PDB2). Also called: Paget disease of bone 2. Identifiers: MedGen C4085251, MONDO:0011183, OMIM 602080.
Frontotemporal dementia and/or amyotrophic lateral sclerosis 1 (FTDALS1). Also called: Frontotemporal dementia with motor neuron disease 1; C9orf72 Frontotemporal Dementia and/or Amyotrophic Lateral Sclerosis. Identifiers: Orphanet 275872, MedGen C5779877, MONDO:0007105, OMIM 105550.
SQSTM1-related disorder. Also called: SQSTM1-Related Disorders.

gnomAD v4.1: 1 of 1,575,784 alleles (0.000063%); highest among the groups gnomAD compares: Non-Finnish European, 0.000085%; no homozygotes.

Submissions (3):

PreventionGenetics, part of Exact Sciences
Classification: Uncertain significance for SQSTM1-related condition. Last evaluated: 2025-07-01. Review status: criteria provided, single submitter. Criteria: ACMG Guidelines, 2015. Collection method: clinical testing. Allele origin: germline.
Comment: The SQSTM1 c.35G>T variant is predicted to result in the amino acid substitution p.Gly12Val. To our knowledge, this variant has not been reported in the literature or in a large population database (gnomAD), indicating this variant is rare. At this time, the clinical significance of this variant is uncertain due to the absence of conclusive functional and genetic evidence.

GeneDx
Classification: Uncertain significance. Last evaluated: 2024-03-06. Review status: criteria provided, single submitter. Criteria: GeneDx Variant Classification Process June 2021. Collection method: clinical testing. Allele origin: germline. Affected: yes.
Comment: Not observed at significant frequency in large population cohorts (gnomAD); In silico analysis supports that this missense variant has a deleterious effect on protein structure/function; Has not been previously published as pathogenic or benign to our knowledge

Labcorp Genetics (formerly Invitae), Labcorp
Classification: Uncertain significance for Paget disease of bone 2, early-onset; Frontotemporal dementia and/or amyotrophic lateral sclerosis 1. Last evaluated: 2022-07-25. Review status: criteria provided, single submitter. Criteria: Invitae Variant Classification Sherloc (09022015). Collection method: clinical testing. Allele origin: germline.
Comment: This variant is not present in population databases (gnomAD no frequency). This sequence change replaces glycine, which is neutral and non-polar, with valine, which is neutral and non-polar, at codon 12 of the SQSTM1 protein (p.Gly12Val). This variant has not been reported in the literature in individuals affected with SQSTM1-related conditions. In summary, the available evidence is currently insufficient to determine the role of this variant in disease. Therefore, it has been classified as a Variant of Uncertain Significance. Algorithms developed to predict the effect of missense changes on protein structure and function are either unavailable or do not agree on the potential impact of this missense change (SIFT: "Deleterious"; PolyPhen-2: "Probably Damaging"; Align-GVGD: "Class C0"). ClinVar contains an entry for this variant (Variation ID: 952577).